The following is an entry in ClinVar:

NM_001844.5(COL2A1):c.2462del (p.Pro821fs)

Gene: COL2A1 (collagen type II alpha 1 chain; minus strand). Cytogenetic location: 12q13.11.
Variant type: Deletion.
Coding change: c.2462del on transcript NM_001844.5 (MANE Select); coding-DNA position 2462, one base deleted (C; older notation c.2462delC).
Protein change: p.Pro821fs; shifts the reading frame from proline 821.
Molecular consequence: frameshift variant.
Genome position (GRCh38, 1-based): chr12:47,981,344, G deleted on the plus strand (C on the coding strand, the reverse complement: COL2A1 is on the minus strand); the first of 2 consecutive G bases (chr12:47,981,344-47,981,345); deleting either gives the same sequence. VCF-style (leftmost placement, unchanged base first): chr12-47981343-CG-C. GRCh37 (hg19) VCF-style: chr12-48375126-CG-C.
Other names: c.2255del, p.Pro752fs (NM_033150.3); short protein forms P752fs, P821fs.
Identifiers: ClinVar variation 5001174 (VCV005001174.1).

ClinVar aggregate classification (germline): Likely pathogenic (1 of 4 stars; one submission).

Conditions:
COL2A1-related disorder. Also called: COL2A1-related condition; COL2A1-related disorders.

Submission:

PreventionGenetics, part of Exact Sciences
Classification: Likely pathogenic for COL2A1-related condition. Last evaluated: 2025-06-18. Review status: criteria provided, single submitter. Criteria: ACMG Guidelines, 2015. Collection method: clinical testing. Allele origin: germline.
Comment: The COL2A1 c.2462delC variant is predicted to result in a frameshift and premature protein termination (p.Pro821Argfs*60). To our knowledge, this variant has not been reported in the literature or in a large population database (gnomAD), indicating this variant is rare. Frameshift variants in COL2A1 are expected to be pathogenic. This variant is interpreted as likely pathogenic.